The following is an entry in ClinVar:

NM_007294.4(BRCA1):c.-17C>A

Gene: BRCA1 (BRCA1 DNA repair associated; minus strand). Cytogenetic location: 17q21.31.
Variant type: single nucleotide variant.
Coding change: c.-17C>A on transcript NM_007294.4 (MANE Select); 17 bases upstream of the start codon, C replaced by A.
Molecular consequence: 5 prime UTR variant. On other transcripts: non-coding transcript variant (1).
Genome position (GRCh38, 1-based): chr17:43,124,113, G>T on the plus strand (C>A on the coding strand, the complement: BRCA1 is on the minus strand). VCF-style: chr17-43124113-G-T. GRCh37 (hg19) VCF-style: chr17-41276130-G-T.
Other names: c.-205C>A (NM_001407571.1, NM_001407853.1, NM_001407879.1 and 42 more transcripts); c.-17C>A (NM_001407581.1, NM_001407582.1, NM_001407583.1 and 169 more transcripts); c.-274C>A (NM_001407694.1, NM_001407724.1, NM_001407727.1 and 11 more transcripts); c.-278C>A (NM_001407695.1, NM_001408465.1); c.-419C>A (NM_001407696.1); c.-303C>A (NM_001407697.1, NM_001407846.1, NM_001407920.1); c.-104C>A (NM_001407698.1, NM_001407732.1, NM_001407736.1 and 21 more transcripts); c.-277C>A (NM_001407725.1, NM_001407730.1, NM_001407734.1 and 22 more transcripts); and 8 more.
Identifiers: ClinVar variation 868647 (VCV000868647.3), dbSNP rs1597923857, ClinGen allele CA916081170.

Conditions:
Breast-ovarian cancer, familial, susceptibility to, 1 (BROVCA1). Also called: BRCA1 Hereditary Breast and Ovarian Cancer; OVARIAN CANCER, SUSCEPTIBILITY TO. Identifiers: Orphanet 145, MedGen C2676676, MONDO:0011450, OMIM 604370. Disease mechanism: loss of function.

Submission:

Brotman Baty Institute, University of Washington
No classification provided (evidence only). Condition: Breast-ovarian cancer, familial 1. Review status: no classification provided. Collection method: in vitro. Allele origin: not applicable. Functional consequence: functionally_normal.
ClinVar note: "not provided" was previously submitted as the classification for the variant. However, the classification appeared to be based only on an observation of functional data so it was converted to no classification on 2025-07-30.